The following is an entry in ClinVar:

ClinVar aggregate classification (germline): Uncertain significance (1 of 4 stars; one submission).

Submission:

Labcorp Genetics (formerly Invitae), Labcorp
Classification: Uncertain significance. Last evaluated: 2022-06-28. Review status: criteria provided, single submitter. Criteria: Invitae Variant Classification Sherloc (09022015). Collection method: clinical testing. Allele origin: germline.
Comment: This sequence change falls in intron 2 of the CACNA1B gene. It does not directly change the encoded amino acid sequence of the CACNA1B protein. It affects a nucleotide within the consensus splice site. The frequency data for this variant in the population databases is considered unreliable, as metrics indicate poor data quality at this position in the gnomAD database. This variant has not been reported in the literature in individuals affected with CACNA1B-related conditions. Variants that disrupt the consensus splice site are a relatively common cause of aberrant splicing (PMID: 17576681, 9536098). Algorithms developed to predict the effect of sequence changes on RNA splicing suggest that this variant may disrupt the consensus splice site. In summary, the available evidence is currently insufficient to determine the role of this variant in disease. Therefore, it has been classified as a Variant of Uncertain Significance.

Literature cited by the submitters: PubMed 17576681; PubMed 9536098.

NM_000718.4(CACNA1B):c.390+1_390+2insACGACACGGAGCCCTATT

Genes: CACNA1B (calcium voltage-gated channel subunit alpha1 B; plus strand), CACNA1B-AS2 (CACNA1B antisense RNA 2; minus strand). Cytogenetic location: 9q34.3.
Variant type: Insertion.
Coding change: c.390+1_390+2insACGACACGGAGCCCTATT on transcript NM_000718.4 (MANE Select); the canonical splice donor site of the intron after coding-DNA position 390, ACGACACGGAGCCCTATT inserted.
Molecular consequence: splice donor variant.
Genome position: GRCh38 VCF-style: chr9-137879160-G-GACGACACGGAGCCCTATT. GRCh37 (hg19) VCF-style: chr9-140773612-G-GACGACACGGAGCCCTATT.
Other names: c.390+1_390+2insACGACACGGAGCCCTATT (NM_001243812.2).
Identifiers: ClinVar variation 2069901 (VCV002069901.1), dbSNP rs370237172, ClinGen allele CA5375733.